The following is an entry in ClinVar:

NM_000274.4(OAT):c.966del (p.Tyr323fs)

Gene: OAT (ornithine aminotransferase; minus strand). Cytogenetic location: 10q26.13.
Variant type: Deletion.
Coding change: c.966del on transcript NM_000274.4 (MANE Select); coding-DNA position 966, one base deleted (A; older notation c.966delA).
Protein change: p.Tyr323fs; shifts the reading frame from tyrosine 323.
Molecular consequence: frameshift variant.
Genome position (GRCh38, 1-based): chr10:124,401,774, T deleted on the plus strand (A on the coding strand, the reverse complement: OAT is on the minus strand). VCF-style (leftmost placement, unchanged base first): chr10-124401773-AT-A. GRCh37 (hg19) VCF-style: chr10-126090342-AT-A.
Other names: c.552del, p.Tyr185fs (NM_001171814.2); c.966del, p.Tyr323fs (NM_001322965.2, NM_001322966.2, NM_001322967.2 and 3 more transcripts); c.645del, p.Tyr216fs (NM_001322971.2); c.366del, p.Tyr123fs (NM_001322974.2); short protein forms Y185fs, Y323fs, Y216fs, Y123fs.
Identifiers: ClinVar variation 1393786 (VCV001393786.7), dbSNP rs1951417940, ClinGen allele CA1942337407.

ClinVar aggregate classification (germline): Pathogenic/Likely pathogenic. Review status: criteria provided, multiple submitters, no conflicts (2 of 4 stars). 2 submissions from 2 submitters: Pathogenic (1); Likely pathogenic (1). Last evaluated 2022-09-29.

Conditions:
Ornithine aminotransferase deficiency (GACR). Also called: OAT DEFICIENCY; OKT DEFICIENCY; Ornithine ketoacid aminotransferase deficiency; Gyrate atrophy; Gyrate atrophy of choroid and retina; Girate atrophy of the retina. Identifiers: Orphanet 414, MedGen C0018425, MONDO:0009796, OMIM 258870.

Allele frequency attached by ClinVar (database versions not stated): TOPMed below 0.00001.

Submissions (2):

Baylor Genetics
Classification: Likely pathogenic for Ornithine aminotransferase deficiency. Last evaluated: 2022-09-29. Review status: criteria provided, single submitter. Criteria: ACMG Guidelines, 2015. Collection method: clinical testing. Allele origin: unknown.

Labcorp Genetics (formerly Invitae), Labcorp
Classification: Pathogenic for Ornithine aminotransferase deficiency. Last evaluated: 2021-11-15. Review status: criteria provided, single submitter. Criteria: Invitae Variant Classification Sherloc (09022015). Collection method: clinical testing. Allele origin: germline.
Comment: This sequence change creates a premature translational stop signal (p.Tyr323Thrfs*6) in the OAT gene. It is expected to result in an absent or disrupted protein product. Loss-of-function variants in OAT are known to be pathogenic (PMID: 1737786, 23076989). This variant is not present in population databases (gnomAD no frequency). For these reasons, this variant has been classified as Pathogenic. This variant has not been reported in the literature in individuals affected with OAT-related conditions.

Literature cited by the submitters: PubMed 1737786 (cited by Labcorp Genetics (formerly Invitae), Labcorp); PubMed 23076989 (cited by Labcorp Genetics (formerly Invitae), Labcorp).